The following is an entry in ClinVar:

ClinVar aggregate classification (germline): Uncertain significance (1 of 4 stars; one submission).

Conditions:
Hypertrophic cardiomyopathy. Also called: HYPERTROPHIC MYOCARDIOPATHY. Identifiers: Orphanet 217569, MedGen C0007194, MeSH D002312, MONDO:0005045, HP:0001639.

gnomAD v4.1: 1 of 1,612,774 alleles (0.000062%); highest among the groups gnomAD compares: Non-Finnish European, 0.000085%; no homozygotes.

Submission:

All of Us Research Program, National Institutes of Health
Classification: Uncertain significance for Hypertrophic cardiomyopathy. Last evaluated: 2023-09-17. Review status: criteria provided, single submitter. Criteria: ACMG Guidelines, 2015. Collection method: clinical testing. Allele origin: germline. Inheritance: Autosomal dominant inheritance. Observed: 1 variant allele, 1 heterozygote.
Comment: This missense variant replaces aspartic acid with valine at codon 676 of the MYBPC3 protein. Computational prediction suggests that this variant may have deleterious impact on protein structure and function (internally defined REVEL score threshold >= 0.7, PMID: 27666373). To our knowledge, functional studies have not been reported for this variant. This variant has not been reported in individuals affected with MYBPC3-related disorders in the literature. This variant has not been identified in the general population by the Genome Aggregation Database (gnomAD). The available evidence is insufficient to determine the role of this variant in disease conclusively. Therefore, this variant is classified as a Variant of Uncertain Significance.

This study involves interpretation of variants in research participants for the purpose of population health screening. Participant phenotype was not available at the time of variant classification. Additional details can be found in publication PMID: 35346344, PMCID: PMC8962531

NM_000256.3(MYBPC3):c.2027A>T (p.Asp676Val)

Gene: MYBPC3 (myosin binding protein C3; minus strand). Cytogenetic location: 11p11.2.
Variant type: single nucleotide variant.
Coding change: c.2027A>T on transcript NM_000256.3 (MANE Select); coding-DNA position 2027, A replaced by T.
Protein change: p.Asp676Val; replaces aspartic acid 676 with valine.
Molecular consequence: missense variant.
Genome position (GRCh38, 1-based): chr11:47,339,691, T>A on the plus strand (A>T on the coding strand, the complement: MYBPC3 is on the minus strand). VCF-style: chr11-47339691-T-A. GRCh37 (hg19) VCF-style: chr11-47361242-T-A.
Other names: short protein forms D676V.
Identifiers: ClinVar variation 3073429 (VCV003073429.1), dbSNP rs2495756060, ClinGen allele CA380321515.